The following is an entry in ClinVar:

ClinVar aggregate classification (germline): Pathogenic (1 of 4 stars; one submission).

Conditions:
Usher syndrome type 1G. Also called: USHER SYNDROME, TYPE IG, MILD. Identifiers: Orphanet 231169, Orphanet 886, MedGen C1847089, MONDO:0011748, OMIM 606943.

Submission:

Institute of Rare Diseases, West China Hospital, Sichuan University
Classification: Pathogenic for Usher syndrome type 1G. Last evaluated: 2025-01-09. Review status: criteria provided, single submitter. Criteria: ClinGen HL ACMG Specifications v1. Collection method: research. Allele origin: germline. Affected: yes.
Comment: PVS1;PM3;PP4;PM2_Supporting

NM_173477.5(USH1G):c.104_107dup (p.Leu37fs)

Gene: USH1G (USH1 protein network component sans; minus strand). Cytogenetic location: 17q25.1.
Variant type: Duplication.
Coding change: c.104_107dup on transcript NM_173477.5 (MANE Select); coding-DNA positions 104 to 107, 4 bases duplicated (CCAC; older notation c.104_107dupCCAC).
Protein change: p.Leu37fs; shifts the reading frame from leucine 37.
Molecular consequence: frameshift variant. On other transcripts: 5 prime UTR variant (1).
Genome position (GRCh38, 1-based): chr17:74,922,967-74,922,970, GTGG duplicated on the plus strand (CCAC on the coding strand, the reverse complement: USH1G is on the minus strand); duplicating any 4 consecutive bases within chr17:74,922,967-74,922,971 gives the same sequence; the c. name uses the placement nearest the transcript's 3' end. VCF-style (leftmost placement, unchanged base first): chr17-74922966-A-AGTGG. GRCh37 (hg19) VCF-style: chr17-72919061-A-AGTGG.
Other names: c.-153_-150dup (NM_001282489.3); short protein forms L37fs.
Identifiers: ClinVar variation 3601022 (VCV003601022.1).